The following is an entry in ClinVar:

NM_001042492.3(NF1):c.2862dup (p.Asp955Ter)

Gene: NF1 (neurofibromin 1; plus strand). Cytogenetic location: 17q11.2.
Variant type: Duplication.
Coding change: c.2862dup on transcript NM_001042492.3 (MANE Select); coding-DNA position 2862, one base duplicated (T; older notation c.2862dupT).
Protein change: p.Asp955Ter; replaces aspartic acid 955 with a stop codon.
Molecular consequence: nonsense. On other transcripts: frameshift variant (1).
Genome position (GRCh38, 1-based): chr17:31,229,846, T duplicated. VCF-style (leftmost placement, unchanged base first): chr17-31229845-C-CT. GRCh37 (hg19) VCF-style: chr17-29556863-C-CT.
Other names: c.2862dup, p.Asp955Terfs (NM_000267.4); short protein forms D955*.
Identifiers: ClinVar variation 1994389 (VCV001994389.4), dbSNP rs2508196422, ClinGen allele CA2580093411.

ClinVar aggregate classification (germline): Pathogenic (1 of 4 stars; one submission).

Conditions:
Neurofibromatosis, type 1 (NF1). Also called: VON RECKLINGHAUSEN DISEASE; Peripheral type neurofibromatosis; Neurofibromatosis, type I; NEUROFIBROMATOSIS, TYPE I, SOMATIC. Identifiers: Orphanet 636, MedGen C0027831, MONDO:0018975, OMIM 162200. Disease mechanism: loss of function.

Submission:

Labcorp Genetics (formerly Invitae), Labcorp
Classification: Pathogenic for Neurofibromatosis, type 1. Last evaluated: 2022-05-14. Review status: criteria provided, single submitter. Criteria: Invitae Variant Classification Sherloc (09022015). Collection method: clinical testing. Allele origin: germline.
Comment: This variant has not been reported in the literature in individuals affected with NF1-related conditions. For these reasons, this variant has been classified as Pathogenic. This variant is not present in population databases (gnomAD no frequency). This sequence change creates a premature translational stop signal (p.Asp955*) in the NF1 gene. It is expected to result in an absent or disrupted protein product. Loss-of-function variants in NF1 are known to be pathogenic (PMID: 10712197, 23913538).

Literature cited by the submitters: PubMed 10712197; PubMed 23913538.